The following is an entry in ClinVar:

NM_000093.5(COL5A1):c.5370+279G>T

Genes: COL5A1 (collagen type V alpha 1 chain; plus strand), LOC101448202 (uncharacterized LOC101448202; minus strand). Cytogenetic location: 9q34.3.
Variant type: single nucleotide variant.
Coding change: c.5370+279G>T on transcript NM_000093.5 (MANE Select); 279 bases into the intron after coding-DNA position 5370, G replaced by T.
Molecular consequence: intron variant.
Genome position (GRCh38, 1-based): chr9:134,835,483, G>T. VCF-style: chr9-134835483-G-T. GRCh37 (hg19) VCF-style: chr9-137727329-G-T.
Other names: c.5370+279G>T (NM_001278074.1).
Identifiers: ClinVar variation 669767 (VCV000669767.1), dbSNP rs542725585, ClinGen allele CA201114225.

ClinVar aggregate classification (germline): Likely benign (1 of 4 stars; one submission).

Allele frequency attached by ClinVar (database versions not stated): 1000 Genomes Project 30x 0.00203; 1000 Genomes Project 0.00240; TOPMed 0.00411; gnomAD 0.00479 and 0.00481.
gnomAD v4.1: 727 of 152,358 alleles (0.48%); highest among the groups gnomAD compares: Non-Finnish European, 0.8%; 6 homozygotes.

Submission:

GeneDx
Classification: Likely benign. Last evaluated: 2018-06-14. Review status: criteria provided, single submitter. Criteria: GeneDx Variant Classification (06012015). Collection method: clinical testing. Allele origin: germline. Affected: yes.
Comment: This variant is considered likely benign or benign based on one or more of the following criteria: it is a conservative change, it occurs at a poorly conserved position in the protein, it is predicted to be benign by multiple in silico algorithms, and/or has population frequency not consistent with disease.